The following is an entry in ClinVar:

NM_000064.4(C3):c.606C>T (p.Gly202=)

Gene: C3 (complement C3; minus strand). Cytogenetic location: 19p13.3.
Variant type: single nucleotide variant.
Coding change: c.606C>T on transcript NM_000064.4 (MANE Select); coding-DNA position 606, C replaced by T.
Protein change: p.Gly202=; no amino-acid change (glycine 202 retained).
Molecular consequence: synonymous variant.
Genome position (GRCh38, 1-based): chr19:6,714,242, G>A on the plus strand (C>T on the coding strand, the complement: C3 is on the minus strand). VCF-style: chr19-6714242-G-A. GRCh37 (hg19) VCF-style: chr19-6714253-G-A.
Identifiers: ClinVar variation 1376749 (VCV001376749.8), dbSNP rs372019305, ClinGen allele CA304798956.

ClinVar aggregate classification (germline): Uncertain significance (1 of 4 stars; one submission).

Allele frequency attached by ClinVar (database versions not stated): gnomAD 0.00001; gnomAD exomes 0.00001 and 0.00002; TOPMed 0.00002; ESP Exome Variant Server 0.00008.
gnomAD v4.1: 32 of 1,613,706 alleles (0.002%); highest among the groups gnomAD compares: Middle Eastern, 0.016%; no homozygotes.

Submission:

Labcorp Genetics (formerly Invitae), Labcorp
Classification: Uncertain significance. Last evaluated: 2025-12-06. Review status: criteria provided, single submitter. Criteria: Invitae Variant Classification Sherloc (09022015). Collection method: clinical testing. Allele origin: germline.
Comment: This sequence change affects codon 202 of the C3 mRNA. It is a 'silent' change, meaning that it does not change the encoded amino acid sequence of the C3 protein. This variant is present in population databases (rs372019305, gnomAD 0.002%). This variant has been observed in individual(s) with atypical hemolytic uremic syndrome (internal data). ClinVar contains an entry for this variant (Variation ID: 1376749). Algorithms developed to predict the effect of sequence changes on RNA splicing suggest that this variant is not likely to affect RNA splicing. In summary, the available evidence is currently insufficient to determine the role of this variant in disease. Therefore, it has been classified as a Variant of Uncertain Significance.